The following is an entry in ClinVar:

ClinVar aggregate classification (germline): Uncertain significance (1 of 4 stars; one submission).

Submission:

Labcorp Genetics (formerly Invitae), Labcorp
Classification: Uncertain significance. Last evaluated: 2025-04-16. Review status: criteria provided, single submitter. Criteria: Invitae Variant Classification Sherloc (09022015). Collection method: clinical testing. Allele origin: germline.
Comment: This sequence change replaces alanine, which is neutral and non-polar, with glycine, which is neutral and non-polar, at codon 366 of the COL11A2 protein (p.Ala366Gly). This variant is not present in population databases (gnomAD no frequency). This variant has not been reported in the literature in individuals affected with COL11A2-related conditions. ClinVar contains an entry for this variant (Variation ID: 3621320). Invitae Evidence Modeling of protein sequence and biophysical properties (such as structural, functional, and spatial information, amino acid conservation, physicochemical variation, residue mobility, and thermodynamic stability) indicates that this missense variant is not expected to disrupt COL11A2 protein function with a negative predictive value of 95%. In summary, the available evidence is currently insufficient to determine the role of this variant in disease. Therefore, it has been classified as a Variant of Uncertain Significance.

NM_080680.3(COL11A2):c.1097C>G (p.Ala366Gly)

Gene: COL11A2 (collagen type XI alpha 2 chain; minus strand). Cytogenetic location: 6p21.32.
Variant type: single nucleotide variant.
Coding change: c.1097C>G on transcript NM_080680.3 (MANE Select); coding-DNA position 1097, C replaced by G.
Protein change: p.Ala366Gly; replaces alanine 366 with glycine.
Molecular consequence: missense variant. On other transcripts: intron variant (5).
Genome position (GRCh38, 1-based): chr6:33,184,167, G>C on the plus strand (C>G on the coding strand, the complement: COL11A2 is on the minus strand). VCF-style: chr6-33184167-G-C. GRCh37 (hg19) VCF-style: chr6-33151944-G-C.
Other names: c.93+825C>G (NM_001424111.1, NM_001424110.1); c.798+2460C>G (NM_080679.3); c.861+825C>G (NM_080681.3); c.939+825C>G (NM_001424108.1); c.251C>G, p.Ala84Gly (NM_001424109.1); short protein forms A366G, A84G.
Identifiers: ClinVar variation 3621320 (VCV003621320.2).